The following is an entry in ClinVar:

ClinVar aggregate classification (germline): Pathogenic/Likely pathogenic. Review status: criteria provided, multiple submitters, no conflicts (2 of 4 stars). 4 submissions from 4 submitters: Pathogenic (2); Likely pathogenic (2). Last evaluated 2025-12-08.

Conditions:
Hereditary cancer-predisposing syndrome. Also called: Neoplastic Syndromes, Hereditary; Hereditary Cancer Syndrome; Tumor predisposition; Hereditary neoplastic syndrome. Identifiers: Orphanet 140162, MedGen C0027672, MeSH D009386, MONDO:0015356.
Nijmegen breakage syndrome-like disorder (NBSLD). Also called: MICROCEPHALY AND SPONTANEOUS CHROMOSOME INSTABILITY WITHOUT IMMUNODEFICIENCY; NBS-LIKE DISORDER; RAD50 DEFICIENCY. Identifiers: Orphanet 240760, MedGen C2751318, MONDO:0013118, OMIM 613078.

Allele frequency attached by ClinVar (database versions not stated): TOPMed 0.00001; gnomAD 0.00002.
gnomAD v4.1: 16 of 1,614,012 alleles (0.00099%); highest among the groups gnomAD compares: African/African-American, 0.0027%; no homozygotes.

Submissions (4):

Labcorp Genetics (formerly Invitae), Labcorp
Classification: Likely pathogenic for Hereditary cancer-predisposing syndrome. Last evaluated: 2025-12-08. Review status: criteria provided, single submitter. Criteria: Invitae Variant Classification Sherloc (09022015). Collection method: clinical testing. Allele origin: germline.
Comment: This sequence change creates a premature translational stop signal (p.Arg1239*) in the RAD50 gene. While this is not anticipated to result in nonsense mediated decay, it is expected to disrupt the last 74 amino acid(s) of the RAD50 protein. This variant is present in population databases (no rsID available, gnomAD 0.003%). This premature translational stop signal has been observed in individual(s) with a personal and/or family history of breast, ovarian, and/or pancreatic cancer (PMID: 24549055, 36139606, 38355628). ClinVar contains an entry for this variant (Variation ID: 230785). This variant disrupts the ATPase-C domain, which is important for RAD50 ATPase activity (PMID: 10892749, 24894818). While functional studies have not been performed to directly test the effect of this variant on RAD50 protein function, this suggests that disruption of this region of the protein is causative of disease. In summary, the currently available evidence indicates that the variant is pathogenic, but additional data are needed to prove that conclusively. Therefore, this variant has been classified as Likely Pathogenic.

Baylor Genetics
Classification: Pathogenic for Nijmegen breakage syndrome-like disorder. Last evaluated: 2022-07-31. Review status: criteria provided, single submitter. Criteria: ACMG Guidelines, 2015. Collection method: clinical testing. Allele origin: unknown.

Ambry Genetics
Classification: Pathogenic for Hereditary cancer-predisposing syndrome. Last evaluated: 2022-02-14. Review status: criteria provided, single submitter. Criteria: Ambry Variant Classification Scheme 2023. Collection method: clinical testing. Allele origin: germline.
Comment: The p.R1239* pathogenic mutation (also known as c.3715C>T), located in coding exon 24 of the RAD50 gene, results from a C to T substitution at nucleotide position 3715. This changes the amino acid from an arginine to a stop codon within coding exon 24. This alteration occurs at the 3' terminus of theRAD50 gene, is not expected to trigger nonsense-mediated mRNA decay, and only impacts the last 74 amino acids of the protein. However, premature stop codons are typically deleterious in nature and this truncation leads to partial loss of the ABC ATPase domain which is integral in dsDNA break repair (Williams GJ et al. Nat. Struct. Mol. Biol. 2011 Apr; 18(4):423-31). This mutation has been identified in cohorts of high-risk breast/ovarian cancer patients (Cast&eacute;ra L et al. Eur J Hum Genet, 2014 Nov;22:1305-13; Wang J et al. Cancer Med, 2019 05;8:2074-2084). Other truncating alterations downstream have been observed in individuals with a personal and/or family history that is consistent with RAD50-related disease (Ambry internal data). This variant is considered to be rare based on population cohorts in the Genome Aggregation Database (gnomAD). Based on the supporting evidence, this alteration is interpreted as a disease-causing mutation.

CeGaT Center for Human Genetics Tuebingen
Classification: Likely pathogenic. Last evaluated: 2020-07-01. Review status: criteria provided, single submitter. Criteria: CeGaT Center For Human Genetics Tuebingen Variant Classification Criteria Version 2. Collection method: clinical testing. Allele origin: germline. Affected: yes. Observed: 1 variant allele.

Literature cited by the submitters: PubMed 24549055 (cited by Labcorp Genetics (formerly Invitae), Labcorp and Ambry Genetics); PubMed 36139606 (cited by Labcorp Genetics (formerly Invitae), Labcorp); PubMed 38355628 (cited by Labcorp Genetics (formerly Invitae), Labcorp); PubMed 10892749 (cited by Labcorp Genetics (formerly Invitae), Labcorp); PubMed 24894818 (cited by Labcorp Genetics (formerly Invitae), Labcorp); PubMed 30982232 (cited by Ambry Genetics).

NM_005732.4(RAD50):c.3715C>T (p.Arg1239Ter)

Genes: TH2-LCR (Th2 cytokine locus control region; plus strand), TH2LCRR (T helper type 2 locus control region associated RNA; minus strand), RAD50 (RAD50 double strand break repair protein; plus strand). Cytogenetic location: 5q31.1.
Variant type: single nucleotide variant.
Coding change: c.3715C>T on transcript NM_005732.4 (MANE Select); coding-DNA position 3715, C replaced by T.
Protein change: p.Arg1239Ter; replaces arginine 1239 with a stop codon.
Molecular consequence: nonsense.
Genome position (GRCh38, 1-based): chr5:132,640,768, C>T. VCF-style: chr5-132640768-C-T. GRCh37 (hg19) VCF-style: chr5-131976460-C-T.
Other names: short protein forms R1239*.
Identifiers: ClinVar variation 230785 (VCV000230785.52), dbSNP rs876658770, ClinGen allele CA10578617.